The following is an entry in ClinVar:

NM_006662.3(SRCAP):c.3695G>T (p.Arg1232Leu)

Gene: SRCAP (Snf2 related CREBBP activator protein; plus strand). Cytogenetic location: 16p11.2.
Variant type: single nucleotide variant.
Coding change: c.3695G>T on transcript NM_006662.3 (MANE Select); coding-DNA position 3695, G replaced by T.
Protein change: p.Arg1232Leu; replaces arginine 1232 with leucine.
Molecular consequence: missense variant.
Genome position (GRCh38, 1-based): chr16:30,722,275, G>T. VCF-style: chr16-30722275-G-T. GRCh37 (hg19) VCF-style: chr16-30733596-G-T.
Other names: short protein forms R1232L.
Identifiers: ClinVar variation 3653543 (VCV003653543.2).

ClinVar aggregate classification (germline): Uncertain significance (1 of 4 stars; one submission).

Submission:

Labcorp Genetics (formerly Invitae), Labcorp
Classification: Uncertain significance. Last evaluated: 2024-05-15. Review status: criteria provided, single submitter. Criteria: Invitae Variant Classification Sherloc (09022015). Collection method: clinical testing. Allele origin: germline.
Comment: This sequence change replaces arginine, which is basic and polar, with leucine, which is neutral and non-polar, at codon 1232 of the SRCAP protein (p.Arg1232Leu). This variant is not present in population databases (gnomAD no frequency). This variant has not been reported in the literature in individuals affected with SRCAP-related conditions. Advanced modeling of protein sequence and biophysical properties (such as structural, functional, and spatial information, amino acid conservation, physicochemical variation, residue mobility, and thermodynamic stability) has been performed at Invitae for this missense variant, however the output from this modeling did not meet the statistical confidence thresholds required to predict the impact of this variant on SRCAP protein function. In summary, the available evidence is currently insufficient to determine the role of this variant in disease. Therefore, it has been classified as a Variant of Uncertain Significance.